The following is an entry in ClinVar:

NM_000219.6(KCNE1):c.288G>C (p.Gln96His)

Gene: KCNE1 (potassium voltage-gated channel subfamily E regulatory subunit 1; minus strand). Cytogenetic location: 21q22.12.
Variant type: single nucleotide variant.
Coding change: c.288G>C on transcript NM_000219.6 (MANE Select); coding-DNA position 288, G replaced by C.
Protein change: p.Gln96His; replaces glutamine 96 with histidine.
Molecular consequence: missense variant.
Genome position (GRCh38, 1-based): chr21:34,449,347, C>G on the plus strand (G>C on the coding strand, the complement: KCNE1 is on the minus strand). VCF-style: chr21-34449347-C-G. GRCh37 (hg19) VCF-style: chr21-35821645-C-G.
Other names: c.288G>C, p.Gln96His (NM_001127668.4, NM_001127669.4, NM_001127670.4 and 4 more transcripts); short protein forms Q96H.
Identifiers: ClinVar variation 3374542 (VCV003374542.2).

Conditions:
Long QT syndrome 5 (LQT5). Identifiers: Orphanet 101016, Orphanet 768, MedGen C1867904, MONDO:0013372, OMIM 613695.

Submission:

Roden Lab, Vanderbilt University Medical Center
No classification provided (evidence only). Condition: Long QT syndrome 5. Review status: no classification provided. Collection method: in vitro. Allele origin: not applicable. Functional consequence: Effect on ion channel function.
ClinVar note: "not provided" was previously submitted as the classification for the variant. However, the classification appeared to be based only on an observation of functional data so it was converted to no classification on 2025-07-30.